The following is an entry in ClinVar:

ClinVar aggregate classification (germline): Uncertain significance (1 of 4 stars; one submission).

gnomAD v4.1: 21 of 1,610,228 alleles (0.0013%); highest among the groups gnomAD compares: South Asian, 0.0088%; no homozygotes.

Submission:

Dasa
Classification: Uncertain significance. Last evaluated: 2026-02-11. Review status: criteria provided, single submitter. Criteria: DASA Assertion Criteria. Collection method: clinical testing. Allele origin: germline.
Comment: NM_003193.5(TBCE):c.1576C>T (p.Arg526*) is a nonsense variant in TBCE predicted to introduce a premature termination codon and is predicted to result in an absent or altered protein product. This variant is rare in population databases. The currently available literature and clinical evidence are not sufficient to establish a definitive association between this variant and the reported condition. Therefore, this variant is classified as a variant of uncertain significance.

NM_003193.5(TBCE):c.1576C>T (p.Arg526Ter)

Genes: B3GALNT2 (beta-1,3-N-acetylgalactosaminyltransferase 2; minus strand), TBCE (tubulin folding cofactor E; plus strand). Cytogenetic location: 1q42.3.
Variant type: single nucleotide variant.
Coding change: c.1576C>T on transcript NM_003193.5 (MANE Select); coding-DNA position 1576, C replaced by T.
Protein change: p.Arg526Ter; replaces arginine 526 with a stop codon.
Molecular consequence: nonsense. On other transcripts: 3 prime UTR variant (1).
Genome position (GRCh38, 1-based): chr1:235,448,754, C>T. VCF-style: chr1-235448754-C-T. GRCh37 (hg19) VCF-style: chr1-235612069-C-T.
Other names: c.*1452G>A (NM_152490.5); c.1576C>T, p.Arg526Ter (NM_001079515.3); c.1729C>T, p.Arg577Ter (NM_001287801.2); c.1237C>T, p.Arg413Ter (NM_001287802.2); short protein forms R413*, R526*, R577*.
Identifiers: ClinVar variation 4881664 (VCV004881664.2).